The following is an entry in ClinVar:

NM_025099.6(CTC1):c.3293G>A (p.Gly1098Glu)

Gene: CTC1 (CST telomere replication complex component 1; minus strand). Cytogenetic location: 17p13.1.
Variant type: single nucleotide variant.
Coding change: c.3293G>A on transcript NM_025099.6 (MANE Select); coding-DNA position 3293, G replaced by A.
Protein change: p.Gly1098Glu; replaces glycine 1098 with glutamic acid.
Molecular consequence: missense variant. On other transcripts: non-coding transcript variant (1).
Genome position (GRCh38, 1-based): chr17:8,228,821, C>T on the plus strand (G>A on the coding strand, the complement: CTC1 is on the minus strand). VCF-style: chr17-8228821-C-T. GRCh37 (hg19) VCF-style: chr17-8132139-C-T.
Other names: short protein forms G1098E.
Identifiers: ClinVar variation 1691967 (VCV001691967.4), dbSNP rs1986954991, ClinGen allele CA397969297.

ClinVar aggregate classification (germline): Uncertain significance. Review status: criteria provided, multiple submitters, no conflicts (2 of 4 stars). 2 submissions from 2 submitters: Uncertain significance (2). Last evaluated 2023-03-03.

Conditions:
Dyskeratosis congenita. Identifiers: Orphanet 1775, MedGen C0265965, MONDO:0015780.

Allele frequency attached by ClinVar (database versions not stated): gnomAD 0.00001; gnomAD exomes 0.00001; TOPMed 0.00001.
gnomAD v4.1: 4 of 1,613,906 alleles (0.00025%); highest among the groups gnomAD compares: African/African-American, 0.004%; no homozygotes.

Submissions (2):

Labcorp Genetics (formerly Invitae), Labcorp
Classification: Uncertain significance for Dyskeratosis congenita. Last evaluated: 2023-03-03. Review status: criteria provided, single submitter. Criteria: Invitae Variant Classification Sherloc (09022015). Collection method: clinical testing. Allele origin: germline.
Comment: This sequence change replaces glycine, which is neutral and non-polar, with glutamic acid, which is acidic and polar, at codon 1098 of the CTC1 protein (p.Gly1098Glu). This variant is not present in population databases (gnomAD no frequency). This variant has not been reported in the literature in individuals affected with CTC1-related conditions. ClinVar contains an entry for this variant (Variation ID: 1691967). Advanced modeling of protein sequence and biophysical properties (such as structural, functional, and spatial information, amino acid conservation, physicochemical variation, residue mobility, and thermodynamic stability) performed at Invitae indicates that this missense variant is expected to disrupt CTC1 protein function. In summary, the available evidence is currently insufficient to determine the role of this variant in disease. Therefore, it has been classified as a Variant of Uncertain Significance.

Sema4
Classification: Uncertain significance for Dyskeratosis congenita. Last evaluated: 2022-02-19. Review status: criteria provided, single submitter. Criteria: Sema4 Curation Guidelines. Collection method: curation. Allele origin: germline.
Comment: The CTC1 c.3293G>A (p.G1098E) variant has not been reported in the literature to our knowledge. This variant is not reported in the population database Genome Aggregation Database (PMID: 32461654). The variant has not been reported in ClinVar. In silico tools suggest the impact of the variant on protein function is deleterious, though these predictions have not been confirmed by functional studies. The evidence is insufficient to meet ACMG/AMP criteria for classifying the variant as benign or pathogenic. Thus, the clinical significance of this variant is currently uncertain.